The following is an entry in ClinVar:

NM_000122.2(ERCC3):c.1993C>G (p.Gln665Glu)

Gene: ERCC3 (ERCC excision repair 3, TFIIH core complex helicase subunit; minus strand). Cytogenetic location: 2q14.3.
Variant type: single nucleotide variant.
Coding change: c.1993C>G on transcript NM_000122.2 (MANE Select); coding-DNA position 1993, C replaced by G.
Protein change: p.Gln665Glu; replaces glutamine 665 with glutamic acid.
Molecular consequence: missense variant.
Genome position (GRCh38, 1-based): chr2:127,261,299, G>C on the plus strand (C>G on the coding strand, the complement: ERCC3 is on the minus strand). VCF-style: chr2-127261299-G-C. GRCh37 (hg19) VCF-style: chr2-128018875-G-C.
Other names: c.1801C>G, p.Gln601Glu (NM_001303416.2, NM_001303418.2); short protein forms Q601E, Q665E.
Identifiers: ClinVar variation 1965574 (VCV001965574.3), dbSNP rs1353903104, ClinGen allele CA348386294.
Genomic context (GRCh38, chr2:127,261,299, plus strand): 5'-AACCTTGATCTACCAAGAATCTCTGCCGCTTGGTTGAGTAAGCCATTTCCTGTGTGTCCT[G>C]GGATACCAGTGAGTAGAAAAAGGCATTGTACTCTTCTGCAACCATCCCTGCAGGAAAAAA-3'
Protein context (NP_000113.1, residues 655-675): YNAFFYSLVS[Gln665Glu]DTQEMAYSTK

ClinVar aggregate classification (germline): Uncertain significance (1 of 4 stars; one submission).

Allele frequency attached by ClinVar (database versions not stated): gnomAD 0.00001; TOPMed 0.00001.
gnomAD v4.1: 2 of 1,613,326 alleles (0.00012%); highest among the groups gnomAD compares: Non-Finnish European, 0.000085%; no homozygotes.

Submission:

Labcorp Genetics (formerly Invitae), Labcorp
Classification: Uncertain significance. Last evaluated: 2024-10-24. Review status: criteria provided, single submitter. Criteria: Invitae Variant Classification Sherloc (09022015). Collection method: clinical testing. Allele origin: germline.
Comment: This sequence change replaces glutamine, which is neutral and polar, with glutamic acid, which is acidic and polar, at codon 665 of the ERCC3 protein (p.Gln665Glu). This variant is present in population databases (no rsID available, gnomAD 0.0009%). This variant has not been reported in the literature in individuals affected with ERCC3-related conditions. ClinVar contains an entry for this variant (Variation ID: 1965574). Invitae Evidence Modeling of protein sequence and biophysical properties (such as structural, functional, and spatial information, amino acid conservation, physicochemical variation, residue mobility, and thermodynamic stability) indicates that this missense variant is not expected to disrupt ERCC3 protein function with a negative predictive value of 80%. In summary, the available evidence is currently insufficient to determine the role of this variant in disease. Therefore, it has been classified as a Variant of Uncertain Significance.